The following is an entry in ClinVar:

ClinVar aggregate classification (germline): Uncertain significance (1 of 4 stars; one submission).

Allele frequency attached by ClinVar (database versions not stated): gnomAD exomes below 0.00001 and 0.00001; ExAC 0.00002; gnomAD 0.00002 and 0.00003; TOPMed 0.00003.

Submission:

Labcorp Genetics (formerly Invitae), Labcorp
Classification: Uncertain significance. Last evaluated: 2026-02-02. Review status: criteria provided, single submitter. Criteria: Invitae Variant Classification Sherloc (09022015). Collection method: clinical testing. Allele origin: germline.
Comment: This sequence change falls in intron 5 of the A2ML1 gene. It does not directly change the encoded amino acid sequence of the A2ML1 protein. It affects a nucleotide within the consensus splice site. This variant is present in population databases (rs774337512, gnomAD 0.02%). This variant has not been reported in the literature in individuals affected with A2ML1-related conditions. ClinVar contains an entry for this variant (Variation ID: 1421429). Variants that disrupt the consensus splice site are a relatively common cause of aberrant splicing (PMID: 17576681, 9536098). Algorithms developed to predict the effect of sequence changes on RNA splicing suggest that this variant may disrupt the consensus splice site. In summary, the available evidence is currently insufficient to determine the role of this variant in disease. Therefore, it has been classified as a Variant of Uncertain Significance.

Literature cited by the submitters: PubMed 17576681; PubMed 9536098.

NM_144670.6(A2ML1):c.483+5G>A

Gene: A2ML1 (alpha-2-macroglobulin like 1; plus strand). Cytogenetic location: 12p13.31.
Variant type: single nucleotide variant.
Coding change: c.483+5G>A on transcript NM_144670.6 (MANE Select); 5 bases into the intron after coding-DNA position 483, G replaced by A.
Molecular consequence: intron variant.
Genome position (GRCh38, 1-based): chr12:8,834,687, G>A. VCF-style: chr12-8834687-G-A. GRCh37 (hg19) VCF-style: chr12-8987283-G-A.
Identifiers: ClinVar variation 1421429 (VCV001421429.6), dbSNP rs774337512, ClinGen allele CA6435323.